The following is an entry in ClinVar:

ClinVar aggregate classification (germline): Uncertain significance. Review status: criteria provided, multiple submitters, no conflicts (2 of 4 stars). 2 submissions from 2 submitters: Uncertain significance (2). Last evaluated 2025-06-15.

Conditions:
Hereditary cancer-predisposing syndrome. Also called: Hereditary Cancer Syndrome; Hereditary neoplastic syndrome; Neoplastic Syndromes, Hereditary; Tumor predisposition. Identifiers: Orphanet 140162, MedGen C0027672, MeSH D009386, MONDO:0015356.
Oligodontia-cancer predisposition syndrome. Also called: TOOTH AGENESIS-COLORECTAL CANCER SYNDROME. Identifiers: Orphanet 300576, MedGen C1837750, MONDO:0012075, OMIM 608615. Disease mechanism: loss of function.

Submissions (2):

Labcorp Genetics (formerly Invitae), Labcorp
Classification: Uncertain significance for Oligodontia-cancer predisposition syndrome. Last evaluated: 2025-06-15. Review status: criteria provided, single submitter. Criteria: Invitae Variant Classification Sherloc (09022015). Collection method: clinical testing. Allele origin: germline.
Comment: This sequence change replaces cysteine, which is neutral and slightly polar, with phenylalanine, which is neutral and non-polar, at codon 814 of the AXIN2 protein (p.Cys814Phe). This variant is not present in population databases (gnomAD no frequency). This variant has not been reported in the literature in individuals affected with AXIN2-related conditions. ClinVar contains an entry for this variant (Variation ID: 408763). Invitae Evidence Modeling of protein sequence and biophysical properties (such as structural, functional, and spatial information, amino acid conservation, physicochemical variation, residue mobility, and thermodynamic stability) indicates that this missense variant is expected to disrupt AXIN2 protein function with a positive predictive value of 80%. In summary, the available evidence is currently insufficient to determine the role of this variant in disease. Therefore, it has been classified as a Variant of Uncertain Significance.

Ambry Genetics
Classification: Uncertain significance for Hereditary cancer-predisposing syndrome. Last evaluated: 2023-03-22. Review status: criteria provided, single submitter. Criteria: Ambry Variant Classification Scheme 2023. Collection method: clinical testing. Allele origin: germline.
Comment: The p.C814F variant (also known as c.2441G>T), located in coding exon 10 of the AXIN2 gene, results from a G to T substitution at nucleotide position 2441. The cysteine at codon 814 is replaced by phenylalanine, an amino acid with highly dissimilar properties. This amino acid position is conserved. In addition, this alteration is predicted to be deleterious by in silico analysis. Since supporting evidence is limited at this time, the clinical significance of this alteration remains unclear.

NM_004655.4(AXIN2):c.2441G>T (p.Cys814Phe)

Gene: AXIN2 (axin 2; minus strand). Cytogenetic location: 17q24.1.
Variant type: single nucleotide variant.
Coding change: c.2441G>T on transcript NM_004655.4 (MANE Select); coding-DNA position 2441, G replaced by T.
Protein change: p.Cys814Phe; replaces cysteine 814 with phenylalanine.
Molecular consequence: missense variant.
Genome position (GRCh38, 1-based): chr17:65,530,067, C>A on the plus strand (G>T on the coding strand, the complement: AXIN2 is on the minus strand). VCF-style: chr17-65530067-C-A. GRCh37 (hg19) VCF-style: chr17-63526185-C-A.
Other names: c.2441G>T (LRG_296t1); c.2246G>T, p.Cys749Phe (NM_001363813.1); short protein forms C814F, C749F.
Identifiers: ClinVar variation 408763 (VCV000408763.10), dbSNP rs1060502127, ClinGen allele CA16615536.